The following is an entry in ClinVar:

ClinVar aggregate classification (germline): Pathogenic/Likely pathogenic. Review status: criteria provided, multiple submitters, no conflicts (2 of 4 stars). 3 submissions from 3 submitters: Pathogenic (1); Likely pathogenic (2). Last evaluated 2026-08-26.

Conditions:
EDAR-related disorder. Also called: EDAR-related condition.
Ectodermal dysplasia 10A, hypohidrotic/hair/nail type, autosomal dominant (ECTD10A). Also called: Ectodermal Dysplasia 3, Anhidrotic. Identifiers: Orphanet 1810, Orphanet 238468, MedGen C3888065, MONDO:0007509, OMIM 129490.
Ectodermal dysplasia 10B, hypohidrotic/hair/tooth type, autosomal recessive. Also called: Ectodermal Dysplasia, Hypohidrotic, Autosomal Recessive; Ectodermal dysplasia 10B, hypohidrotic/hair/tooth type, autosomal. Identifiers: Orphanet 238468, Orphanet 248, MedGen C3887494, MONDO:0009147, OMIM 224900.
Inborn genetic diseases. Identifiers: MedGen C0950123, MeSH D030342.

Allele frequency attached by ClinVar (database versions not stated): TOPMed 0.00001; ExAC 0.00003; gnomAD exomes 0.00003 and 0.00004.
gnomAD v4.1: 49 of 1,614,088 alleles (0.003%); highest among the groups gnomAD compares: Non-Finnish European, 0.0034%; no homozygotes.

Submissions (3):

PreventionGenetics, part of Exact Sciences
Classification: Likely pathogenic for EDAR-related condition. Last evaluated: 2026-08-26. Review status: criteria provided, single submitter. Criteria: ACMG Guidelines, 2015. Collection method: clinical testing. Allele origin: germline.
Comment: The EDAR c.77C>T variant is predicted to result in the amino acid substitution p.Ala26Val. This variant has been reported in the homozygous state in three families segregating with ectodermal dysplasia in multiple individuals (Plaisancié et al. 2013. PubMed ID: 23401279; Khan et al. 2020. PubMed ID: 32819890; Sama et al. 2025. PubMed ID: 40025372). This variant is reported in 0.020% of alleles in individuals of Ashkenazi Jewish descent in gnomAD, and is interpreted as likely pathogenic/pathogenic in the ClinVar database (Variation ID: 985204). This variant is interpreted as likely pathogenic for autosomal recessive disease; however, there is currently insufficient evidence to support its role in autosomal dominant disease.

Department of Pathology and Laboratory Medicine, Sinai Health System
Classification: Likely pathogenic for Ectodermal dysplasia 10A, hypohidrotic/hair/nail type, autosomal dominant; Ectodermal dysplasia 10B, hypohidrotic/hair/tooth type, autosomal recessive. Last evaluated: 2023-08-01. Review status: criteria provided, single submitter. Criteria: ACMG Guidelines, 2015. Collection method: research. Allele origin: germline.

Ambry Genetics
Classification: Pathogenic for Inborn genetic diseases. Last evaluated: 2017-10-30. Review status: criteria provided, single submitter. Criteria: Ambry exome assertion method (8-5-2015). Collection method: clinical testing. Allele origin: germline. Affected: yes. Observed: 1 variant allele.

Literature cited by the submitters: PubMed 23401279 (cited by Ambry Genetics).

NM_022336.4(EDAR):c.77C>T (p.Ala26Val)

Genes: EDAR (ectodysplasin A receptor; minus strand), RANBP2 (RAN binding protein 2; plus strand). Cytogenetic location: 2q13.
Variant type: single nucleotide variant.
Coding change: c.77C>T on transcript NM_022336.4 (MANE Select); coding-DNA position 77, C replaced by T.
Protein change: p.Ala26Val; replaces alanine 26 with valine.
Molecular consequence: missense variant.
Genome position (GRCh38, 1-based): chr2:108,930,217, G>A on the plus strand (C>T on the coding strand, the complement: EDAR is on the minus strand). VCF-style: chr2-108930217-G-A. GRCh37 (hg19) VCF-style: chr2-109546673-G-A.
Other names: short protein forms A26V.
Identifiers: ClinVar variation 985204 (VCV000985204.5), dbSNP rs550414401, ClinGen allele CA1825218.